The following is an entry in ClinVar:

NM_001267550.2(TTN):c.55206C>A (p.Ile18402=)

Genes: TTN (titin; minus strand), TTN-AS1 (TTN antisense RNA 1; plus strand). Cytogenetic location: 2q31.2.
Variant type: single nucleotide variant.
Coding change: c.55206C>A on transcript NM_001267550.2 (MANE Select); coding-DNA position 55206, C replaced by A.
Protein change: p.Ile18402=; no amino-acid change (isoleucine 18402 retained).
Molecular consequence: synonymous variant.
Genome position (GRCh38, 1-based): chr2:178,602,065, G>T on the plus strand (C>A on the coding strand, the complement: TTN is on the minus strand). VCF-style: chr2-178602065-G-T. GRCh37 (hg19) VCF-style: chr2-179466792-G-T.
Other names: c.50283C>A, p.Ile16761= (NM_001256850.1); c.47502C>A, p.Ile15834= (NM_133378.4); c.28011C>A, p.Ile9337= (NM_003319.4); c.28386C>A, p.Ile9462= (NM_133432.3); c.28587C>A, p.Ile9529= (NM_133437.4).
Identifiers: ClinVar variation 47102 (VCV000047102.19), dbSNP rs368272978, ClinGen allele CA140009.
Genomic context (GRCh38, chr2:178,602,065, plus strand): 5'-CATTGCTTTCTTTGCCTTTCCATCAAATTCCCAAGATGATTTTGGTGTTGGGCGTCCCTT[G>T]ATGACAGCAGGAATCCTAATCTGTGAGCCAGCTTTACAAACCAGACAGTCCTGTGCTCCA-3'
Protein context (NP_001254479.2, residues 18392-18412): AGSQIRIPAV[Ile18402=]KGRPTPKSSW

ClinVar aggregate classification (germline): Likely benign. Review status: criteria provided, multiple submitters, no conflicts (2 of 4 stars). 6 submissions from 6 submitters: Likely benign (6). Last evaluated 2026-04-30.

Conditions:
TTN-related disorder. Also called: TTN-related condition; TTN-related disease; TTN-related disorders.
Cardiovascular phenotype. Identifiers: MedGen CN230736.
Myopathy, myofibrillar, 9, with early respiratory failure (MFM9). Also called: Hereditary myopathy with early respiratory failure; EDSTROM MYOPATHY; MYOPATHY, PROXIMAL, WITH EARLY RESPIRATORY MUSCLE INVOLVEMENT; Myopathy, distal, with early respiratory failure, autosomal dominant. Identifiers: Orphanet 178464, Orphanet 34521, MedGen C1863599, MONDO:0011362, OMIM 603689.
Autosomal recessive limb-girdle muscular dystrophy type 2J (LGMDR10). Also called: Limb-girdle muscular dystrophy, type 2J; MUSCULAR DYSTROPHY, LIMB-GIRDLE, AUTOSOMAL RECESSIVE 10. Identifiers: Orphanet 140922, MedGen C1837342, MONDO:0012127, OMIM 608807.
Early-onset myopathy with fatal cardiomyopathy (CMYO5). Also called: Salih Myopathy; CONGENITAL MYOPATHY 5 WITH CARDIOMYOPATHY. Identifiers: Orphanet 289377, MedGen C2673677, MONDO:0012714, OMIM 611705. Disease mechanism: loss of function.
Hypertrophic cardiomyopathy 9. Also called: Familial hypertrophic cardiomyopathy 9. Identifiers: MedGen C1861065, MONDO:0013412, OMIM 613765.
Dilated cardiomyopathy 1G (CMD1G). Identifiers: Orphanet 154, MedGen C1858763, MONDO:0011400, OMIM 604145.
Tibial muscular dystrophy (TMD). Also called: Tibial muscular dystrophy, tardive; UDD MYOPATHY; Udd Distal Myopathy – Tibial Muscular Dystrophy. Identifiers: Orphanet 609, MedGen C1838244, MONDO:0010870, OMIM 600334.

Allele frequency attached by ClinVar (database versions not stated): gnomAD exomes 0.00001; TOPMed 0.00001; ExAC 0.00002; gnomAD 0.00003; ESP Exome Variant Server 0.00008.
gnomAD v4.1: 14 of 1,612,622 alleles (0.00087%); highest among the groups gnomAD compares: Non-Finnish European, 0.0012%; no homozygotes.

Submissions (6):

PreventionGenetics, part of Exact Sciences
Classification: Likely benign for TTN-related condition. Last evaluated: 2026-04-30. Review status: criteria provided, single submitter. Criteria: ACMG Guidelines, 2015. Collection method: clinical testing. Allele origin: germline.
Comment: This variant is classified as likely benign based on ACMG/AMP sequence variant interpretation guidelines (Richards et al. 2015 PMID: 25741868, with internal and published modifications).

Labcorp Genetics (formerly Invitae), Labcorp
Classification: Likely benign for Dilated cardiomyopathy 1G; Autosomal recessive limb-girdle muscular dystrophy type 2J. Last evaluated: 2026-01-25. Review status: criteria provided, single submitter. Criteria: Invitae Variant Classification Sherloc (09022015). Collection method: clinical testing. Allele origin: germline.

Fulgent Genetics
Classification: Likely benign for Tibial muscular dystrophy; Myopathy, myofibrillar, 9, with early respiratory failure; Dilated cardiomyopathy 1G; Autosomal recessive limb-girdle muscular dystrophy type 2J; Early-onset myopathy with fatal cardiomyopathy; Hypertrophic cardiomyopathy 9. Last evaluated: 2021-10-26. Review status: criteria provided, single submitter. Criteria: ACMG Guidelines, 2015. Collection method: clinical testing. Allele origin: unknown.

Ambry Genetics
Classification: Likely benign for Cardiovascular phenotype. Last evaluated: 2021-06-29. Review status: criteria provided, single submitter. Criteria: Ambry Variant Classification Scheme 2023. Collection method: clinical testing. Allele origin: germline.

GeneDx
Classification: Likely benign. Last evaluated: 2017-10-26. Review status: criteria provided, single submitter. Criteria: GeneDx Variant Classification (06012015). Collection method: clinical testing. Allele origin: germline. Affected: yes.
Comment: This variant is considered likely benign or benign based on one or more of the following criteria: it is a conservative change, it occurs at a poorly conserved position in the protein, it is predicted to be benign by multiple in silico algorithms, and/or has population frequency not consistent with disease.

Laboratory for Molecular Medicine, Mass General Brigham Personalized Medicine
Classification: Likely benign. Last evaluated: 2012-03-19. Review status: criteria provided, single submitter. Criteria: LMM Criteria. Collection method: clinical testing. Allele origin: germline. Observed: 1 variant allele.
Comment: p.Ile15834Ile in Exon 233 of TTN: This variant is not expected to have clinical significance because it does not alter an amino acid residue, is not located wit hin the splice consensus sequence. It has been identified in 1/6654 European Ame rican chromosomes from a broad population by the NHLBI Exome Sequencing Project.